The following is an entry in ClinVar:

ClinVar aggregate classification (germline): Conflicting classifications of pathogenicity. Review status: criteria provided, conflicting classifications (1 of 4 stars). 7 submissions from 7 submitters: Uncertain significance (5); Likely benign (2). Last evaluated 2026-10-16.

Conditions:
Cardiovascular phenotype. Identifiers: MedGen CN230736.
Cardiomyopathy (CMYO). Also called: Cardiomyopathies. Identifiers: Orphanet 167848, MedGen C0878544, MONDO:0004994, HP:0001638. Inheritance: Various modes of inheritance.
Dilated cardiomyopathy 1DD (CMD1DD). Identifiers: Orphanet 154, MedGen C2750995, MONDO:0013168, OMIM 613172.

Allele frequency attached by ClinVar (database versions not stated): gnomAD 0.00002; TOPMed 0.00002; gnomAD exomes 0.00004.
gnomAD v4.1: 41 of 1,551,984 alleles (0.0026%); highest among the groups gnomAD compares: Middle Eastern, 0.017%; no homozygotes.

Submissions (7):

GeneDx
Classification: Uncertain significance. Last evaluated: 2026-10-16. Review status: criteria provided, single submitter. Criteria: GeneDx Variant Classification Process June 2021. Collection method: clinical testing. Allele origin: germline.
Comment: Identified in a teenager with early onset atrial fibrillation who harbors multiple cardiogenetic variants (PMID: 31638414); In silico analysis supports that this missense variant has a deleterious effect on protein structure/function; This variant is associated with the following publications: (PMID: 31638414)

Labcorp Genetics (formerly Invitae), Labcorp
Classification: Likely benign for Dilated cardiomyopathy 1DD. Last evaluated: 2025-12-31. Review status: criteria provided, single submitter. Criteria: Invitae Variant Classification Sherloc (09022015). Collection method: clinical testing. Allele origin: germline.

Ambry Genetics
Classification: Uncertain significance for Cardiovascular phenotype. Last evaluated: 2025-07-11. Review status: criteria provided, single submitter. Criteria: Ambry Variant Classification Scheme 2023. Collection method: clinical testing. Allele origin: germline.
Comment: The p.G583D variant (also known as c.1748G>A), located in coding exon 7 of the RBM20 gene, results from a G to A substitution at nucleotide position 1748. The glycine at codon 583 is replaced by aspartic acid, an amino acid with similar properties. This amino acid position is not well conserved in available vertebrate species. In addition, this alteration is predicted to be tolerated by in silico analysis. Based on the available evidence, the clinical significance of this variant remains unclear.

Blueprint Genetics
Classification: Likely benign. Last evaluated: 2024-11-13. Review status: criteria provided, single submitter. Criteria: ACMG Guidelines, 2015. Collection method: clinical testing. Allele origin: germline.

CHEO Genetics Diagnostic Laboratory, Children's Hospital of Eastern Ontario
Classification: Uncertain significance for Cardiomyopathy. Last evaluated: 2018-04-24. Review status: criteria provided, single submitter. Criteria: ACMG Guidelines, 2015. Collection method: clinical testing. Allele origin: germline.

Illumina Laboratory Services, Illumina
Classification: Uncertain significance for Dilated cardiomyopathy 1DD. Last evaluated: 2018-01-12. Review status: criteria provided, single submitter. Criteria: ICSL Variant Classification Criteria 13 December 2019. Collection method: clinical testing. Allele origin: germline.

Stanford Center for Inherited Cardiovascular Disease, Stanford University
Classification: Uncertain significance. Last evaluated: 2017-04-25. Review status: criteria provided, single submitter. Criteria: ACMG Guidelines, 2015. Collection method: provider interpretation. Allele origin: germline.

NM_001134363.3(RBM20):c.1748G>A (p.Gly583Asp)

Gene: RBM20 (RNA binding motif protein 20; plus strand). Cytogenetic location: 10q25.2.
Variant type: single nucleotide variant.
Coding change: c.1748G>A on transcript NM_001134363.3 (MANE Select); coding-DNA position 1748, G replaced by A.
Protein change: p.Gly583Asp; replaces glycine 583 with aspartic acid.
Molecular consequence: missense variant.
Genome position (GRCh38, 1-based): chr10:110,799,866, G>A. VCF-style: chr10-110799866-G-A. GRCh37 (hg19) VCF-style: chr10-112559624-G-A.
Other names: p.G583D:GGT>GAT; c.1748G>A (LRG_382t1); short protein forms G583D.
Identifiers: ClinVar variation 202081 (VCV000202081.22), dbSNP rs767827357, ClinGen allele CA335585.